The following is an entry in ClinVar:

NM_000059.4(BRCA2):c.1766A>C (p.Lys589Thr)

Gene: BRCA2 (BRCA2 DNA repair associated; plus strand). Cytogenetic location: 13q13.1.
Variant type: single nucleotide variant.
Coding change: c.1766A>C on transcript NM_000059.4 (MANE Select); coding-DNA position 1766, A replaced by C.
Protein change: p.Lys589Thr; replaces lysine 589 with threonine.
Molecular consequence: missense variant. On other transcripts: non-coding transcript variant (1), intron variant (1).
Genome position (GRCh38, 1-based): chr13:32,333,244, A>C. VCF-style: chr13-32333244-A-C. GRCh37 (hg19) VCF-style: chr13-32907381-A-C.
Other names: c.1766A>C, p.Lys589Thr (NM_001406719.1, NM_001406720.1, NM_001406721.1 and 1 more transcripts); c.424+2214A>C (NM_001406722.1); short protein forms K589T.
Identifiers: ClinVar variation 5033248 (VCV005033248.1).

ClinVar aggregate classification (germline): Uncertain significance (1 of 4 stars; one submission).

Conditions:
Hereditary cancer-predisposing syndrome. Also called: Neoplastic Syndromes, Hereditary; Tumor predisposition; Hereditary neoplastic syndrome; Hereditary Cancer Syndrome. Identifiers: Orphanet 140162, MedGen C0027672, MeSH D009386, MONDO:0015356.

gnomAD v4.1: 1 of 1,612,300 alleles (0.000062%); highest among the groups gnomAD compares: Non-Finnish European, 0.000085%; no homozygotes.

Submission:

Ambry Genetics
Classification: Uncertain significance for Hereditary cancer-predisposing syndrome. Last evaluated: 2026-06-23. Review status: criteria provided, single submitter. Criteria: Ambry Variant Classification Scheme 2023. Collection method: clinical testing. Allele origin: germline.
Comment: The p.K589T variant (also known as c.1766A>C), located in coding exon 9 of the BRCA2 gene, results from an A to C substitution at nucleotide position 1766. The lysine at codon 589 is replaced by threonine, an amino acid with similar properties. This amino acid position is well conserved in available vertebrate species. In addition, this alteration is predicted to be tolerated by in silico analysis. Based on the available evidence, the clinical significance of this variant remains unclear.